The following is an entry in ClinVar:

ClinVar aggregate classification (germline): Uncertain significance (1 of 4 stars; one submission).

Conditions:
Facioscapulohumeral muscular dystrophy 2 (FSHD2). Also called: MUSCULAR DYSTROPHY, FACIOSCAPULOHUMERAL, TYPE 1B; FACIOSCAPULOHUMERAL MUSCULAR DYSTROPHY 2, DIGENIC; FSHD2, DIGENIC. Identifiers: Orphanet 269, MedGen C1834671, MONDO:0008031, OMIM 158901.

Submission:

Labcorp Genetics (formerly Invitae), Labcorp
Classification: Uncertain significance for Facioscapulohumeral muscular dystrophy 2. Last evaluated: 2024-11-03. Review status: criteria provided, single submitter. Criteria: Invitae Variant Classification Sherloc (09022015). Collection method: clinical testing. Allele origin: germline.
Comment: This sequence change falls in intron 30 of the SMCHD1 gene. It does not directly change the encoded amino acid sequence of the SMCHD1 protein. It affects a nucleotide within the consensus splice site. This variant is not present in population databases (gnomAD no frequency). This variant has not been reported in the literature in individuals affected with SMCHD1-related conditions. Variants that disrupt the consensus splice site are a relatively common cause of aberrant splicing (PMID: 17576681, 9536098). Algorithms developed to predict the effect of sequence changes on RNA splicing suggest that this variant is not likely to affect RNA splicing. In summary, the available evidence is currently insufficient to determine the role of this variant in disease. Therefore, it has been classified as a Variant of Uncertain Significance.

Literature cited by the submitters: PubMed 17576681; PubMed 9536098.

NM_015295.3(SMCHD1):c.3927+5G>A

Gene: SMCHD1 (structural maintenance of chromosomes flexible hinge domain containing 1; plus strand). Cytogenetic location: 18p11.32.
Variant type: single nucleotide variant.
Coding change: c.3927+5G>A on transcript NM_015295.3 (MANE Select); 5 bases into the intron after coding-DNA position 3927, G replaced by A.
Molecular consequence: intron variant.
Genome position (GRCh38, 1-based): chr18:2,747,652, G>A. VCF-style: chr18-2747652-G-A. GRCh37 (hg19) VCF-style: chr18-2747650-G-A.
Identifiers: ClinVar variation 3678591 (VCV003678591.2).